The following is an entry in ClinVar:

ClinVar aggregate classification (germline): Uncertain significance (1 of 4 stars; one submission).

Conditions:
Muscle AMP deaminase deficiency (MMDD). Also called: Myoadenylate deaminase deficiency, myopathy due to; Adenosine monophosphate deaminase 1 deficiency; AMP deaminase 1 deficiency; Adenosine Monophosphate Deaminase 1; ADENOSINE MONOPHOSPHATE DEAMINASE-1 DEFICIENCY, MYOPATHY DUE TO; AMPD1 DEFICIENCY. Identifiers: Orphanet 45, MedGen C3714933, MONDO:0014220, OMIM 615511.

gnomAD v4.1: 8 of 1,613,706 alleles (0.0005%); highest among the groups gnomAD compares: African/African-American, 0.0013%; no homozygotes.

Submission:

Labcorp Genetics (formerly Invitae), Labcorp
Classification: Uncertain significance for Muscle AMP deaminase deficiency. Last evaluated: 2025-09-02. Review status: criteria provided, single submitter. Criteria: Invitae Variant Classification Sherloc (09022015). Collection method: clinical testing. Allele origin: germline.
Comment: This sequence change affects a donor splice site in intron 14 of the AMPD1 gene. It is expected to disrupt RNA splicing. Variants that disrupt the donor or acceptor splice site typically lead to a loss of protein function (PMID: 16199547), however the current clinical and genetic evidence is not sufficient to establish whether loss-of-function variants in AMPD1 cause disease. This variant is present in population databases (rs145328844, gnomAD 0.007%). This variant has not been reported in the literature in individuals affected with AMPD1-related conditions. ClinVar contains an entry for this variant (Variation ID: 1400023). Algorithms developed to predict the effect of sequence changes on RNA splicing suggest that this variant may disrupt the consensus splice site. In summary, the available evidence is currently insufficient to determine the role of this variant in disease. Therefore, it has been classified as a Variant of Uncertain Significance.

Literature cited by the submitters: PubMed 16199547.

NM_000036.3(AMPD1):c.1974+1G>C

Gene: AMPD1 (adenosine monophosphate deaminase 1; minus strand). Cytogenetic location: 1p13.2.
Variant type: single nucleotide variant.
Coding change: c.1974+1G>C on transcript NM_000036.3 (MANE Select); the canonical splice donor site of the intron after coding-DNA position 1974, G replaced by C.
Molecular consequence: splice donor variant.
Genome position (GRCh38, 1-based): chr1:114,673,908, C>G on the plus strand (G>C on the coding strand, the complement: AMPD1 is on the minus strand). VCF-style: chr1-114673908-C-G. GRCh37 (hg19) VCF-style: chr1-115216529-C-G.
Other names: c.1962+1G>C (NM_001172626.2).
Identifiers: ClinVar variation 1400023 (VCV001400023.8), dbSNP rs145328844, ClinGen allele CA1019975.
Genomic context (GRCh38, chr1:114,673,908, plus strand): 5'-TTCTGGACGGGAAACAACAGTCCAGCAAAATATGCTTGTATTGCCCAAGTCCATACTATA[C>G]CTTGGTAAAGTGGAATTGCATTGGGTCATCTGTAGACAGTGAGATCATTAGCCCTTTCTG-3'